The following is an entry in ClinVar:

NM_004360.5(CDH1):c.2178G>T (p.Leu726=)

Gene: CDH1 (cadherin 1; plus strand). Cytogenetic location: 16q22.1.
Variant type: single nucleotide variant.
Coding change: c.2178G>T on transcript NM_004360.5 (MANE Select); coding-DNA position 2178, G replaced by T.
Protein change: p.Leu726=; no amino-acid change (leucine 726 retained).
Molecular consequence: synonymous variant.
Genome position (GRCh38, 1-based): chr16:68,828,187, G>T. VCF-style: chr16-68828187-G-T. GRCh37 (hg19) VCF-style: chr16-68862090-G-T.
Other names: c.1995G>T, p.Leu665= (NM_001317184.2); c.630G>T, p.Leu210= (NM_001317185.2); c.213G>T, p.Leu71= (NM_001317186.2).
Identifiers: ClinVar variation 1787217 (VCV001787217.6), dbSNP rs751544748, ClinGen allele CA496157123.

ClinVar aggregate classification (germline): Uncertain significance. Review status: criteria provided, multiple submitters, no conflicts (2 of 4 stars). 2 submissions from 2 submitters: Uncertain significance (2). Last evaluated 2024-12-12.

Conditions:
Hereditary cancer-predisposing syndrome. Also called: Tumor predisposition; Neoplastic Syndromes, Hereditary; Hereditary Cancer Syndrome; Hereditary neoplastic syndrome. Identifiers: Orphanet 140162, MedGen C0027672, MeSH D009386, MONDO:0015356.
Hereditary diffuse gastric adenocarcinoma (HDGC). Also called: DIFFUSE GASTRIC AND LOBULAR BREAST CANCER SYNDROME. Identifiers: Orphanet 26106, MedGen C1708349, MONDO:0007648, OMIM 137215.

Submissions (2):

Labcorp Genetics (formerly Invitae), Labcorp
Classification: Uncertain significance for Hereditary diffuse gastric adenocarcinoma. Last evaluated: 2024-12-12. Review status: criteria provided, single submitter. Criteria: Invitae Variant Classification Sherloc (09022015). Collection method: clinical testing. Allele origin: germline.
Comment: This sequence change affects codon 726 of the CDH1 mRNA. It is a 'silent' change, meaning that it does not change the encoded amino acid sequence of the CDH1 protein. RNA analysis indicates that this variant induces altered splicing and may result in an absent or altered protein product. This variant is not present in population databases (gnomAD no frequency). This variant has not been reported in the literature in individuals affected with CDH1-related conditions. ClinVar contains an entry for this variant (Variation ID: 1787217). Studies have shown that this variant results in activation of a cryptic splice site, and produces a non-functional protein and/or introduces a premature termination codon (internal data). In summary, the available evidence is currently insufficient to determine the role of this variant in disease. Therefore, it has been classified as a Variant of Uncertain Significance.

Ambry Genetics
Classification: Uncertain significance for Hereditary cancer-predisposing syndrome. Last evaluated: 2023-07-24. Review status: criteria provided, single submitter. Criteria: Ambry Variant Classification Scheme 2023. Collection method: clinical testing. Allele origin: germline.
Comment: The c.2178G>T variant (also known as p.L726L), located in coding exon 14 of the CDH1 gene, results from a G to T substitution at nucleotide position 2178. This nucleotide substitution does not change the leucine at codon 726. This nucleotide position is well conserved in available vertebrate species. In silico splice site analysis predicts that this alteration may result in the creation or strengthening of a novel splice acceptor site. Since supporting evidence is limited at this time, the clinical significance of this alteration remains unclear.